The following is an entry in ClinVar:

ClinVar aggregate classification (germline): Pathogenic (1 of 4 stars; one submission).

Submission:

Labcorp Genetics (formerly Invitae), Labcorp
Classification: Pathogenic. Last evaluated: 2022-06-12. Review status: criteria provided, single submitter. Criteria: Invitae Variant Classification Sherloc (09022015). Collection method: clinical testing. Allele origin: germline.
Comment: For these reasons, this variant has been classified as Pathogenic. This variant has not been reported in the literature in individuals affected with SLC12A3-related conditions. This variant is not present in population databases (gnomAD no frequency). This sequence change creates a premature translational stop signal (p.Asp711Metfs*23) in the SLC12A3 gene. It is expected to result in an absent or disrupted protein product. Loss-of-function variants in SLC12A3 are known to be pathogenic (PMID: 20848653, 22009145, 25841442).

Literature cited by the submitters: PubMed 20848653; PubMed 22009145; PubMed 25841442.

NM_001126108.2(SLC12A3):c.2131del (p.Asp711fs)

Gene: SLC12A3 (solute carrier family 12 member 3; plus strand). Cytogenetic location: 16q13.
Variant type: Deletion.
Coding change: c.2131del on transcript NM_001126108.2 (MANE Select); coding-DNA position 2131, one base deleted (G; older notation c.2131delG).
Protein change: p.Asp711fs; shifts the reading frame from aspartic acid 711.
Molecular consequence: frameshift variant.
Genome position (GRCh38, 1-based): chr16:56,887,046, G deleted; the last of 2 consecutive G bases (chr16:56,887,045-56,887,046); deleting either gives the same sequence. VCF-style (leftmost placement, unchanged base first): chr16-56887044-CG-C. GRCh37 (hg19) VCF-style: chr16-56920956-CG-C.
Other names: c.2131del, p.Asp711fs (NM_000339.3); c.2128del, p.Asp710fs (NM_001126107.2); c.2128delG, p.Asp710Metfs (NM_001410896.1); short protein forms D711fs, D710fs.
Identifiers: ClinVar variation 2005120 (VCV002005120.4), dbSNP rs2543523300, ClinGen allele CA2580091684.